The following is an entry in ClinVar:

ClinVar aggregate classification (germline): Uncertain significance (1 of 4 stars; one submission).

Conditions:
MYH7B-related disorder. Also called: MYH7B-related condition.

Submission:

3billion
Classification: Uncertain significance for MYH7B-related disorder. Last evaluated: 2024-07-29. Review status: criteria provided, single submitter. Criteria: ACMG Guidelines, 2015. Collection method: clinical testing. Allele origin: germline. Affected: yes.
Comment: The variant is not observed in the gnomAD v4.0.0 dataset. Predicted Consequence/Location: Canonical splice site: predicted to alter splicing and result in a loss or disruption of normal protein function. Multiple pathogenic loss-of-function variants are reported downstream of the variant. Therefore, this variant is classified as VUS according to the recommendation of ACMG/AMP guideline.

NM_020884.7(MYH7B):c.1901-1G>A

Gene: MYH7B (myosin heavy chain 7B; plus strand). Cytogenetic location: 20q11.22.
Variant type: single nucleotide variant.
Coding change: c.1901-1G>A on transcript NM_020884.7 (MANE Select); the canonical splice acceptor site of the intron before coding-DNA position 1901, G replaced by A.
Molecular consequence: splice acceptor variant.
Genome position (GRCh38, 1-based): chr20:34,990,233, G>A. VCF-style: chr20-34990233-G-A. GRCh37 (hg19) VCF-style: chr20-33578036-G-A.
Identifiers: ClinVar variation 4292333 (VCV004292333.1).
Genomic context (GRCh38, chr20:34,990,233, plus strand): 5'-CTCTGACAGGGGCCCACAGAGCGACATTCCCTGGAGTGACCAGGCCCCTTGTCTCTATTA[G>A]CTGAGCCCCCCAAGTCTGGGGTGAAAGAGAAGCGTAAGAAGGCAGCATCGTTCCAGACGG-3'